The following is an entry in ClinVar:

NM_006767.4(LZTR1):c.650A>T (p.Glu217Val)

Gene: LZTR1 (leucine zipper like post translational regulator 1; plus strand). Cytogenetic location: 22q11.21.
Variant type: single nucleotide variant.
Coding change: c.650A>T on transcript NM_006767.4 (MANE Select); coding-DNA position 650, A replaced by T.
Protein change: p.Glu217Val; replaces glutamic acid 217 with valine.
Molecular consequence: missense variant.
Genome position (GRCh38, 1-based): chr22:20,989,681, A>T. VCF-style: chr22-20989681-A-T. GRCh37 (hg19) VCF-style: chr22-21343970-A-T.
Other names: p.Glu217Val; c.650A>T (NM_006767.3); short protein forms E217V.
Identifiers: ClinVar variation 1969689 (VCV001969689.8), dbSNP rs755984510, ClinGen allele CA10118535.
Genomic context (GRCh38, chr22:20,989,681, plus strand): 5'-ACAGGTTGAATGACATGTGGACAATTGGCCTCCAGGACCGAGAGCTCACCTGCTGGGAGG[A>T]GGTGAGGGGCGTGGGGAGCCAGGGCGCAGGTAGAGGAGGTGAGGGGCACGGGGAGCCAGG-3'
Protein context (NP_006758.2, residues 207-227): LQDRELTCWE[Glu217Val]VAQSGEIPPS

ClinVar aggregate classification (germline): Conflicting classifications of pathogenicity. Review status: criteria provided, conflicting classifications (1 of 4 stars). 4 submissions from 4 submitters: Likely pathogenic (1); Uncertain significance (3). Last evaluated 2025-12-10.

Conditions:
Hereditary cancer-predisposing syndrome. Also called: Tumor predisposition; Hereditary Cancer Syndrome; Hereditary neoplastic syndrome; Neoplastic Syndromes, Hereditary. Identifiers: Orphanet 140162, MedGen C0027672, MeSH D009386, MONDO:0015356.
Cardiovascular phenotype. Identifiers: MedGen CN230736.

Allele frequency attached by ClinVar (database versions not stated): TOPMed below 0.00001; ExAC 0.00001; gnomAD exomes 0.00001.
gnomAD v4.1: 13 of 1,604,724 alleles (0.00081%); highest among the groups gnomAD compares: Non-Finnish European, 0.0011%; no homozygotes.

Submissions (4):

Ambry Genetics
Classification: Likely pathogenic for Cardiovascular phenotype; Hereditary cancer-predisposing syndrome. Last evaluated: 2025-12-10. Review status: criteria provided, single submitter. Criteria: Ambry Variant Classification Scheme 2023. Collection method: clinical testing. Allele origin: germline.
Comment: The c.650A>T variant (also known as p.E217V), located in coding exon 7 of the LZTR1 gene, results from an A to T substitution at nucleotide position 650. The glutamic acid at codon 217 is replaced by valine, an amino acid with dissimilar properties. This nucleotide position is highly conserved in available vertebrate species. In silico splice site analysis predicts that this alteration will weaken the native splice donor site, and RNA studies have demonstrated that this alteration results in abnormal splicing in the set of samples tested (Ambry internal data). This variant is considered to be rare based on population cohorts in the Genome Aggregation Database (gnomAD). Loss-of-function variants in LZTR1 are related to an increased risk for schwannomas and autosomal recessive Noonan syndrome; however, such associations with autosomal dominant Noonan syndrome have not been observed (Piotrowski A et al. Nat Genet. 2014 Feb;46:182-7; Yamamoto GL et al. J Med Genet. 2015 Jun;52:413-21; Johnston JJ et al. Genet Med. 2018 10;20:1175-1185). Based on the supporting evidence, this variant is likely pathogenic for an increased risk of LZTR1-related schwannomatosis (SWN) and would be expected to cause autosomal recessive Noonan syndrome when present along with a second pathogenic or likely pathogenic variant on the other allele; however, the association of this alteration with autosomal dominant Noonan syndrome is unlikely.

Mayo Clinic Laboratories, Mayo Clinic
Classification: Uncertain significance. Last evaluated: 2025-11-09. Review status: criteria provided, single submitter. Criteria: ACMG Guidelines, 2015. Collection method: clinical testing. Allele origin: germline. Observed: 1 variant allele.
Comment: PP3, PM2_supporting, PS3_supporting

Labcorp Genetics (formerly Invitae), Labcorp
Classification: Uncertain significance. Last evaluated: 2025-09-22. Review status: criteria provided, single submitter. Criteria: Invitae Variant Classification Sherloc (09022015). Collection method: clinical testing. Allele origin: germline.
Comment: This sequence change replaces glutamic acid, which is acidic and polar, with valine, which is neutral and non-polar, at codon 217 of the LZTR1 protein (p.Glu217Val). The frequency data for this variant in the population databases is considered unreliable, as metrics indicate poor data quality at this position in the gnomAD database. This variant has not been reported in the literature in individuals affected with LZTR1-related conditions. ClinVar contains an entry for this variant (Variation ID: 1969689). An algorithm developed to predict the effect of missense changes on protein structure and function (PolyPhen-2) suggests that this variant is likely to be disruptive. Algorithms developed to predict the effect of sequence changes on RNA splicing suggest that this variant may disrupt the consensus splice site. In summary, the available evidence is currently insufficient to determine the role of this variant in disease. Therefore, it has been classified as a Variant of Uncertain Significance.

Blueprint Genetics
Classification: Uncertain significance. Last evaluated: 2022-02-09. Review status: criteria provided, single submitter. Criteria: ACMG Guidelines, 2015. Collection method: clinical testing. Allele origin: germline.